The following is an entry in ClinVar:

ClinVar aggregate classification (germline): Uncertain significance (1 of 4 stars; one submission).

Submission:

GeneDx
Classification: Uncertain significance. Last evaluated: 2024-06-21. Review status: criteria provided, single submitter. Criteria: GeneDx Variant Classification Process June 2021. Collection method: clinical testing. Allele origin: germline. Affected: yes.
Comment: Not observed at significant frequency in large population cohorts (gnomAD); In silico analysis supports that this missense variant has a deleterious effect on protein structure/function; Has not been previously published as pathogenic or benign to our knowledge

NM_021072.4(HCN1):c.833T>C (p.Ile278Thr)

Gene: HCN1 (hyperpolarization activated cyclic nucleotide gated potassium channel 1; minus strand). Cytogenetic location: 5p12.
Variant type: single nucleotide variant.
Coding change: c.833T>C on transcript NM_021072.4 (MANE Select); coding-DNA position 833, T replaced by C.
Protein change: p.Ile278Thr; replaces isoleucine 278 with threonine.
Molecular consequence: missense variant.
Genome position (GRCh38, 1-based): chr5:45,645,201, A>G on the plus strand (T>C on the coding strand, the complement: HCN1 is on the minus strand). VCF-style: chr5-45645201-A-G. GRCh37 (hg19) VCF-style: chr5-45645303-A-G.
Other names: short protein forms I278T.
Identifiers: ClinVar variation 3391747 (VCV003391747.1).